The following is an entry in ClinVar:

NM_000376.3(VDR):c.212A>G (p.Asp71Gly)

Gene: VDR (vitamin D receptor; minus strand). Cytogenetic location: 12q13.11.
Variant type: single nucleotide variant.
Coding change: c.212A>G on transcript NM_000376.3 (MANE Select); coding-DNA position 212, A replaced by G.
Protein change: p.Asp71Gly; replaces aspartic acid 71 with glycine.
Molecular consequence: missense variant.
Genome position (GRCh38, 1-based): chr12:47,865,112, T>C on the plus strand (A>G on the coding strand, the complement: VDR is on the minus strand). VCF-style: chr12-47865112-T-C. GRCh37 (hg19) VCF-style: chr12-48258895-T-C.
Other names: c.212A>G (NM_001017535.1); c.212A>G, p.Asp71Gly (NM_001017535.2, NM_001364085.2, NM_001374661.1 and 1 more transcripts); c.362A>G, p.Asp121Gly (NM_001017536.2); short protein forms D121G, D71G.
Identifiers: ClinVar variation 1059781 (VCV001059781.8), dbSNP rs767290901, ClinGen allele CA6533997.

ClinVar aggregate classification (germline): Uncertain significance. Review status: criteria provided, multiple submitters, no conflicts (2 of 4 stars). 2 submissions from 2 submitters: Uncertain significance (2). Last evaluated 2024-06-13.

Conditions:
Vitamin D-dependent rickets type II with alopecia (VDDR2A). Also called: GENERALIZED RESISTANCE TO 1,25-DIHYDROXYVITAMIN D; HYPOCALCEMIC VITAMIN D-RESISTANT RICKETS; PDDR IIA; PSEUDOVITAMIN D-DEFICIENCY, TYPE IIA; RICKETS, HEREDITARY VITAMIN D-RESISTANT; RICKETS-ALOPECIA SYNDROME. Identifiers: Orphanet 93160, MedGen C0342646, MONDO:0010186, OMIM 277440.

Allele frequency attached by ClinVar (database versions not stated): ExAC 0.00001; gnomAD 0.00001; gnomAD exomes 0.00001; TOPMed 0.00001.
gnomAD v4.1: 15 of 1,613,832 alleles (0.00093%); highest among the groups gnomAD compares: Non-Finnish European, 0.0012%; no homozygotes.

Submissions (2):

Fulgent Genetics
Classification: Uncertain significance for Vitamin D-dependent rickets type II with alopecia. Last evaluated: 2024-06-13. Review status: criteria provided, single submitter. Criteria: ACMG Guidelines, 2015. Collection method: clinical testing. Allele origin: germline.

Labcorp Genetics (formerly Invitae), Labcorp
Classification: Uncertain significance. Last evaluated: 2024-04-23. Review status: criteria provided, single submitter. Criteria: Invitae Variant Classification Sherloc (09022015). Collection method: clinical testing. Allele origin: germline.
Comment: This sequence change replaces aspartic acid, which is acidic and polar, with glycine, which is neutral and non-polar, at codon 71 of the VDR protein (p.Asp71Gly). This variant is present in population databases (rs767290901, gnomAD 0.0009%). This variant has not been reported in the literature in individuals affected with VDR-related conditions. ClinVar contains an entry for this variant (Variation ID: 1059781). Advanced modeling of protein sequence and biophysical properties (such as structural, functional, and spatial information, amino acid conservation, physicochemical variation, residue mobility, and thermodynamic stability) performed at Invitae indicates that this missense variant is not expected to disrupt VDR protein function with a negative predictive value of 80%. In summary, the available evidence is currently insufficient to determine the role of this variant in disease. Therefore, it has been classified as a Variant of Uncertain Significance.